The following is an entry in ClinVar:

ClinVar aggregate classification (germline): Uncertain significance. Review status: criteria provided, multiple submitters, no conflicts (2 of 4 stars). 3 submissions from 3 submitters: Uncertain significance (3). Last evaluated 2025-12-29.

Conditions:
Intellectual developmental disorder, autosomal dominant 6, with or without seizures. Also called: Intellectual disability, autosomal dominant 6; GRIN2B-related developmental delay, intellectual disability and autism spectrum disorder. Identifiers: Orphanet 589547, MedGen C3151411, MONDO:0013509, OMIM 613970.
Developmental and epileptic encephalopathy, 27 (DEE27). Also called: Epileptic encephalopathy, early infantile, 27; GRIN2B-Related Neurodevelopmental Disorder. Identifiers: Orphanet 3451, MedGen C4015316, MONDO:0014505, OMIM 616139.
Inborn genetic diseases. Identifiers: MedGen C0950123, MeSH D030342.

Allele frequency attached by ClinVar (database versions not stated): gnomAD exomes below 0.00001; TOPMed below 0.00001.
gnomAD v4.1: 1 of 1,614,168 alleles (0.000062%); highest among the groups gnomAD compares: Admixed American, 0.0017%; no homozygotes.

Submissions (3):

Ambry Genetics
Classification: Uncertain significance for Inborn genetic diseases. Last evaluated: 2025-12-29. Review status: criteria provided, single submitter. Criteria: Ambry Variant Classification Scheme 2023. Collection method: clinical testing. Allele origin: germline.
Comment: The c.4390G>C (p.A1464P) alteration is located in exon 13 (coding exon 12) of the GRIN2B gene. This alteration results from a G to C substitution at nucleotide position 4390, causing the alanine (A) at amino acid position 1464 to be replaced by a proline (P). Based on data from gnomAD, the C allele has an overall frequency of <0.001% (1/251490) total alleles studied. The highest observed frequency was 0.003% (1/34590) of Latino alleles. Based on insufficient or conflicting evidence, the clinical significance of this alteration remains unclear.

Dasa
Classification: Uncertain significance. Last evaluated: 2025-10-30. Review status: criteria provided, single submitter. Criteria: DASA Assertion Criteria. Collection method: clinical testing. Allele origin: germline.
Comment: NM_000834.5(GRIN2B):c.4390G>C (p.Ala1464Pro) is a missense variant that results in the substitution of alanine with proline. This variant is rare in population databases. The currently available literature and clinical evidence are not sufficient to establish a definitive association between this variant and the reported condition. Therefore, this variant is classified as a variant of uncertain significance.

Labcorp Genetics (formerly Invitae), Labcorp
Classification: Uncertain significance for Developmental and epileptic encephalopathy, 27; Intellectual developmental disorder, autosomal dominant 6, with or without seizures. Last evaluated: 2024-08-19. Review status: criteria provided, single submitter. Criteria: Invitae Variant Classification Sherloc (09022015). Collection method: clinical testing. Allele origin: germline.
Comment: This sequence change replaces alanine, which is neutral and non-polar, with proline, which is neutral and non-polar, at codon 1464 of the GRIN2B protein (p.Ala1464Pro). This variant is present in population databases (no rsID available, gnomAD 0.003%). This variant has not been reported in the literature in individuals affected with GRIN2B-related conditions. ClinVar contains an entry for this variant (Variation ID: 954907). Invitae Evidence Modeling of protein sequence and biophysical properties (such as structural, functional, and spatial information, amino acid conservation, physicochemical variation, residue mobility, and thermodynamic stability) indicates that this missense variant is not expected to disrupt GRIN2B protein function with a negative predictive value of 95%. In summary, the available evidence is currently insufficient to determine the role of this variant in disease. Therefore, it has been classified as a Variant of Uncertain Significance.

NM_000834.5(GRIN2B):c.4390G>C (p.Ala1464Pro)

Gene: GRIN2B (glutamate ionotropic receptor NMDA type subunit 2B; minus strand). Cytogenetic location: 12p13.1.
Variant type: single nucleotide variant.
Coding change: c.4390G>C on transcript NM_000834.5 (MANE Select); coding-DNA position 4390, G replaced by C.
Protein change: p.Ala1464Pro; replaces alanine 1464 with proline.
Molecular consequence: missense variant.
Genome position (GRCh38, 1-based): chr12:13,562,848, C>G on the plus strand (G>C on the coding strand, the complement: GRIN2B is on the minus strand). VCF-style: chr12-13562848-C-G. GRCh37 (hg19) VCF-style: chr12-13715782-C-G.
Other names: short protein forms A1464P.
Identifiers: ClinVar variation 954907 (VCV000954907.13), dbSNP rs1168549804, ClinGen allele CA383985086.